The following is an entry in ClinVar:

ClinVar aggregate classification (germline): Uncertain significance. Review status: criteria provided, multiple submitters, no conflicts (2 of 4 stars). 2 submissions from 2 submitters: Uncertain significance (2). Last evaluated 2024-05-01.

Conditions:
Cardiovascular phenotype. Identifiers: MedGen CN230736.
Dilated cardiomyopathy 1II (CMD1II). Identifiers: Orphanet 154, MedGen C3554649, MONDO:0014073, OMIM 615184.

Allele frequency attached by ClinVar (database versions not stated): TOPMed 0.00002; gnomAD 0.00003.
gnomAD v4.1: 21 of 1,614,108 alleles (0.0013%); highest among the groups gnomAD compares: Non-Finnish European, 0.0018%; no homozygotes.

Submissions (2):

Labcorp Genetics (formerly Invitae), Labcorp
Classification: Uncertain significance for Dilated cardiomyopathy 1II. Last evaluated: 2024-05-01. Review status: criteria provided, single submitter. Criteria: Invitae Variant Classification Sherloc (09022015). Collection method: clinical testing. Allele origin: germline.
Comment: This sequence change replaces valine, which is neutral and non-polar, with leucine, which is neutral and non-polar, at codon 93 of the CRYAB protein (p.Val93Leu). This variant is present in population databases (rs547282752, gnomAD 0.002%). This missense change has been observed in individual(s) with dilated cardiomyopathy and/or noncompaction cardiomyopathy (PMID: 30847666, 32880476). ClinVar contains an entry for this variant (Variation ID: 854963). An algorithm developed to predict the effect of missense changes on protein structure and function (PolyPhen-2) suggests that this variant is likely to be tolerated. In summary, the available evidence is currently insufficient to determine the role of this variant in disease. Therefore, it has been classified as a Variant of Uncertain Significance.

Ambry Genetics
Classification: Uncertain significance for Cardiovascular phenotype. Last evaluated: 2023-12-20. Review status: criteria provided, single submitter. Criteria: Ambry Variant Classification Scheme 2023. Collection method: clinical testing. Allele origin: germline.
Comment: The p.V93L variant (also known as c.277G>T), located in coding exon 2 of the CRYAB gene, results from a G to T substitution at nucleotide position 277. The valine at codon 93 is replaced by leucine, an amino acid with highly similar properties. his variant was detected in a cardiomyopathy genetic testing cohort; however, clinical details were limited, and additional cardiac variants were detected in some cases (van Lint FHM et al. Neth Heart J, 2019 Jun;27:304-309). This alteration has also been reported in association with dilated cardiomyopathy (DCM) (Verdonschot JAJ et al. Circ Genom Precis Med, 2020 Oct;13:476-487). This amino acid position is highly conserved in available vertebrate species. In addition, the in silico prediction for this alteration is inconclusive. Since supporting evidence is limited at this time, the clinical significance of this alteration remains unclear.

Literature cited by the submitters: PubMed 30847666 (cited by Labcorp Genetics (formerly Invitae), Labcorp and Ambry Genetics); PubMed 32880476 (cited by Labcorp Genetics (formerly Invitae), Labcorp and Ambry Genetics).

NM_001289808.2(CRYAB):c.277G>T (p.Val93Leu)

Gene: CRYAB (crystallin alpha B; minus strand). Cytogenetic location: 11q23.1.
Variant type: single nucleotide variant.
Coding change: c.277G>T on transcript NM_001289808.2 (MANE Select); coding-DNA position 277, G replaced by T.
Protein change: p.Val93Leu; replaces valine 93 with leucine.
Molecular consequence: missense variant.
Genome position (GRCh38, 1-based): chr11:111,910,374, C>A on the plus strand (G>T on the coding strand, the complement: CRYAB is on the minus strand). VCF-style: chr11-111910374-C-A. GRCh37 (hg19) VCF-style: chr11-111781098-C-A.
Other names: c.277G>T, p.Val93Leu (NM_001289807.1, NM_001368245.1, NM_001885.3); c.76G>T, p.Val26Leu (NM_001330379.1, NM_001368246.1); short protein forms V26L, V93L.
Identifiers: ClinVar variation 854963 (VCV000854963.8), dbSNP rs547282752, ClinGen allele CA382599215.